The following continues an entry in ClinVar:

NM_000136.3(FANCC):c.1642C>T (p.Arg548Ter)

ClinVar aggregate classification (germline): Pathogenic/Likely pathogenic. Pathogenic (17); Likely pathogenic (2).

Submissions 10 to 24 of 24:

Ambry Genetics
Classification: Pathogenic for Hereditary cancer-predisposing syndrome. Last evaluated: 2022-03-15. Review status: criteria provided, single submitter. Criteria: Ambry Variant Classification Scheme 2023. Collection method: clinical testing. Allele origin: germline.
Comment: The p.R548* pathogenic mutation (also known as c.1642C>T), located in coding exon 14 of the FANCC gene, results from a C to T substitution at nucleotide position 1642. This changes the amino acid from an arginine to a stop codon within coding exon 14. This mutation has been previously described in a compound heterozygous state in two unrelated patients with Fanconi Anemia (FA) (Aftab I et al. Turk. J. Med. Sci. 2017 Apr;47:391-398; Gibson RA et al. Hum. Mutat. 1996;8:140-8). This mutation has also been identified in a heterozygous state in individuals with breast cancer and/or colorectal cancer/polyps (Susswein LR et al. Genet. Med. 2016 Aug;18:823-32; AlDubayan SH et al. Am. J. Hum. Genet. 2018 03;102(3):401-414). Functional studies have shown that cells transfected with this alteration are unable to correct the cellular phenotype of FA (Lo ten Foe JR et al. Hum. Genet. 1996 Nov;98:522-3). In addition to the clinical data presented in the literature, this alteration is expected to result in loss of function by premature protein truncation. As such, this alteration is interpreted as a disease-causing mutation.

Daryl Scott Lab, Baylor College of Medicine
Classification: Pathogenic for Fanconi anemia complementation group C. Last evaluated: 2022-02-01. Review status: criteria provided, single submitter. Criteria: ACMG Guidelines, 2015. Collection method: clinical testing. Allele origin: biparental. Affected: yes. Observed: 1 variant allele, 1 homozygote.

Revvity Omics, Revvity
Classification: Pathogenic for Fanconi anemia complementation group C. Last evaluated: 2021-08-31. Review status: criteria provided, single submitter. Criteria: ACMG Guidelines, 2015. Collection method: clinical testing. Allele origin: germline.

Fulgent Genetics
Classification: Pathogenic for Fanconi anemia complementation group C. Last evaluated: 2021-07-06. Review status: criteria provided, single submitter. Criteria: ACMG Guidelines, 2015. Collection method: clinical testing. Allele origin: unknown.

GeneDx
Classification: Pathogenic. Last evaluated: 2020-08-26. Review status: criteria provided, single submitter. Criteria: GeneDx Variant Classification Process June 2021. Collection method: clinical testing. Allele origin: germline. Affected: yes.
Comment: Nonsense variant in the C-terminus predicted to result in protein truncation as the last 11 amino acids are lost; Published functional studies demonstrate a damaging effect: hypersensitivity to mitomycin C and inability to correct the cellular Fanconi anemia phenotype in transfected cells (Lo ten Foe 1996); Observed in the heterozygous state individuals with breast, gastric, or colon cancer (Slavin 2017, AlDubayan 2018, Drk 2019); This variant is associated with the following publications: (PMID: 12670332, 28139070, 28425259, 8103176, 8844212, 24584348, 20869034, 9207444, 27289500, 26681312, 29025585, 8348157, 17924555, 8882868, 29478780, 31467304, 29625052, 26689913)

Myriad Genetics, Inc.
Classification: Likely pathogenic for Fanconi anemia complementation group C. Last evaluated: 2019-12-04. Review status: criteria provided, single submitter. Criteria: Myriad Women's Health Autosomal Recessive and X-Linked Classification Criteria (2019). Collection method: clinical testing. Allele origin: unknown.
Comment: NM_000136.2(FANCC):c.1642C>T(R548*) is classified as likely pathogenic in the context of FANCC-related Fanconi anemia. Sources cited for classification include the following: PMID 9207444, 17924555, 8844212, 8882868 and 24469828. Classification of NM_000136.2(FANCC):c.1642C>T(R548*) is based on the following criteria: The variant causes a premature termination codon that is not expected to be targeted by nonsense-mediated mRNA decay; however, literature evidence strongly supports pathogenicity. Please note: this variant was assessed in the context of healthy population screening.

Mendelics
Classification: Pathogenic for Fanconi anemia, complementation group C. Last evaluated: 2018-07-02. Review status: criteria provided, single submitter. Criteria: Mendelics Assertion Criteria 2017. Collection method: clinical testing. Allele origin: unknown.

Laboratory for Molecular Medicine, Mass General Brigham Personalized Medicine
Classification: Pathogenic for Fanconi anemia. Last evaluated: 2018-05-14. Review status: criteria provided, single submitter. Criteria: LMM Criteria. Collection method: clinical testing. Allele origin: germline. Inheritance: Autosomal recessive inheritance. Observed: 1 variant allele.
Comment: The p.Arg548X variant in FANCC has been identified in the homozygous or compound heterozygous state in more than 9 individuals with Fanconi anemia, and segregat ed with disease in at least 1 affected family member (Murer-Orlando 1993, Gillio 1997, Aftab 2017). This variant has also been identified in 8/111606 European c hromosomes by the Genome Aggregation Database (gnomAD; dbSNP rs104886457). Although this variant has been seen in the general population, its frequency is low enough to be consistent with a recessive carrie r frequency. This nonsense variant leads to a premature termination codon at pos ition 548. This alteration occurs within the last exon and is more likely to esc ape nonsense mediated decay (NMD) and result in a truncated protein. Nevertheles s, in vitro functional studies provide evidence that this variant disrupts FANCC function (Lo Ten Foe 1996). In summary, this variant meets criteria to be class ified as pathogenic for autosomal recessive Fanconi anemia. ACMG/AMP Criteria ap plied: PM3_Very Strong; PM4; PS3_Moderate.

Women's Health and Genetics/Laboratory Corporation of America, LabCorp
Classification: Pathogenic for Fanconi anemia complementation group C. Last evaluated: 2016-08-31. Review status: criteria provided, single submitter. Criteria: LabCorp Variant Classification Summary - May 2015. Collection method: clinical testing. Allele origin: germline.
Comment: Variant summary: The c.1642C>T (p.Arg548*) variant in FANCC gene is a nonsense change predicted to cause loss of normal protein function through protein truncation or nonsense-mediated mRNA decay. The p.Arg548* is expected to lack last 11 amino acids and was unable to restore MMC hypersensitivity in the functional assay. The variant is present in the large control population dataset of ExAC at a low frequency 0.00002 (3/120522 chrs tested), which does not exceed the maximal expected frequency of a pathogenic allele (0.002) in this gene. The variant of interest has been reported in multiple affected individuals in homozygous or compound heterozygous state with a confirmed diagnosis of FA. Per multiple reports, this variant is strongly correlated with increased numbers of severe congenital malformation, earlier onsets of marrow failure, and overall poorer survival rate. In addition, multiple reputable databases/clinical laboratories classified this variant as Pathogenic. Taken together, the variant was classified as Pathogenic.

Neuberg Centre For Genomic Medicine, NCGM
Classification: Pathogenic for Fanconi anemia complementation group C. Review status: criteria provided, single submitter. Criteria: ACMG Guidelines, 2015. Collection method: clinical testing. Allele origin: germline. Inheritance: Autosomal recessive inheritance. Affected: yes.

Leiden Open Variation Database
Classification: Pathogenic for Fanconi anemia complementation group C. Last evaluated: 2020-02-28. Review status: no assertion criteria provided. Collection method: curation. Allele origin: germline. Affected: yes. Not counted in ClinVar's aggregate classification.
Comment: Curator: Arleen D. Auerbach. Submitters to LOVD: Arleen D. Auerbach, Johan de Winter.

OMIM
Classification: Pathogenic for FANCONI ANEMIA, COMPLEMENTATION GROUP C. Last evaluated: 1993-09-11. Review status: no assertion criteria provided. Collection method: literature only. Allele origin: germline. Not counted in ClinVar's aggregate classification.

GeneReviews
No classification provided. Condition: Fanconi anemia complementation group C. Review status: no classification provided. Collection method: literature only. Allele origin: germline. Not counted in ClinVar's aggregate classification.
Comment: Common in northern Europeans & southern Italy

SNPedia
No classification provided. Review status: no classification provided. Collection method: not provided. Allele origin: germline. Not counted in ClinVar's aggregate classification.

Fulgent Genetics
Classification: Pathogenic for Fanconi anemia complementation group C. Last evaluated: 2018-10-31. Review status: flagged submission. Criteria: ACMG Guidelines, 2015. Collection method: clinical testing. Allele origin: unknown. Not counted in ClinVar's aggregate classification.
ClinVar note: Reason: This record appears to be redundant with a more recent record from the same submitter.
ClinVar note: Notes: SCV000894483 appears to be redundant with SCV000611188.

Literature cited by the submitters: PubMed 8103176 (cited by 7 submitters); PubMed 24584348 (cited by 4 submitters); PubMed 8882868 (cited by 6 submitters); PubMed 9207444 (cited by 5 submitters); PubMed 36135330 (cited by Natera, Inc.); PubMed 28425259 (cited by 4 submitters); PubMed 36474027 (cited by Quest Diagnostics Nichols Institute San Juan Capistrano and Daryl Scott Lab, Baylor College of Medicine); PubMed 26681312 (cited by 3 submitters); PubMed 24469828 (cited by Quest Diagnostics Nichols Institute San Juan Capistrano and Myriad Genetics, Inc.); PubMed 20869034 (cited by Quest Diagnostics Nichols Institute San Juan Capistrano and Women's Health and Genetics/Laboratory Corporation of America, LabCorp); PubMed 8844212 (cited by 4 submitters); PubMed 35417938 (cited by Quest Diagnostics Nichols Institute San Juan Capistrano); PubMed 33960719 (cited by Quest Diagnostics Nichols Institute San Juan Capistrano); PubMed 34308104 (cited by Quest Diagnostics Nichols Institute San Juan Capistrano); PubMed 32427313 (cited by Quest Diagnostics Nichols Institute San Juan Capistrano); PubMed 31467304 (cited by Quest Diagnostics Nichols Institute San Juan Capistrano); PubMed 29625052 (cited by Quest Diagnostics Nichols Institute San Juan Capistrano); PubMed 29478780 (cited by Quest Diagnostics Nichols Institute San Juan Capistrano); PubMed 29922827 (cited by Quest Diagnostics Nichols Institute San Juan Capistrano); PubMed 17924555 (cited by Myriad Genetics, Inc. and Leiden Open Variation Database); PubMed 08103176 (cited by Leiden Open Variation Database); PubMed 08844212 (cited by Leiden Open Variation Database); PubMed 08882868 (cited by Leiden Open Variation Database); NCBI Bookshelf NBK1401 (cited by GeneReviews); PubMed 20301575 (cited by GeneReviews).